The following is an entry in ClinVar:

NM_001378454.1(ALMS1):c.2467C>T (p.Gln823Ter)

Gene: ALMS1 (ALMS1 centrosome and basal body associated protein; plus strand). Cytogenetic location: 2p13.1.
Variant type: single nucleotide variant.
Coding change: c.2467C>T on transcript NM_001378454.1 (MANE Select); coding-DNA position 2467, C replaced by T.
Protein change: p.Gln823Ter; replaces glutamine 823 with a stop codon.
Molecular consequence: nonsense.
Genome position (GRCh38, 1-based): chr2:73,448,994, C>T. VCF-style: chr2-73448994-C-T. GRCh37 (hg19) VCF-style: chr2-73676121-C-T.
Other names: c.2470C>T, p.Gln824Ter (NM_015120.4); short protein forms Q823*, Q824*.
Identifiers: ClinVar variation 977948 (VCV000977948.8), dbSNP rs201853697, ClinGen allele CA1713352.

ClinVar aggregate classification (germline): Pathogenic. Review status: criteria provided, multiple submitters, no conflicts (2 of 4 stars). 4 submissions from 4 submitters: Pathogenic (3). 1 of the submissions does not count toward it. Last evaluated 2026-07-15.

Conditions:
Multiple congenital anomalies/dysmorphic syndrome-intellectual disability. Identifiers: Orphanet 102283, MedGen C5680372, MONDO:0015159.
Alstrom syndrome (ALMS). Identifiers: Orphanet 64, MedGen C0268425, MONDO:0008763, OMIM 203800.
Cardiovascular phenotype. Identifiers: MedGen CN230736.

Allele frequency attached by ClinVar (database versions not stated): TOPMed 0.00003; ESP Exome Variant Server 0.00008; ExAC 0.00002.

Submissions (4):

Ambry Genetics
Classification: Pathogenic for Cardiovascular phenotype. Last evaluated: 2026-07-15. Review status: criteria provided, single submitter. Criteria: Ambry Variant Classification Scheme 2023. Collection method: clinical testing. Allele origin: germline.
Comment: The p.Q824* pathogenic mutation (also known as c.2470C>T), located in coding exon 8 of the ALMS1 gene, results from a C to T substitution at nucleotide position 2470. This changes the amino acid from a glutamine to a stop codon within coding exon 8. This variant is considered to be rare based on population cohorts in the Genome Aggregation Database (gnomAD). This alteration is expected to result in loss of function by premature protein truncation or nonsense-mediated mRNA decay. As such, this alteration is interpreted as a disease-causing mutation.

Labcorp Genetics (formerly Invitae), Labcorp
Classification: Pathogenic for Alstrom syndrome. Last evaluated: 2024-10-21. Review status: criteria provided, single submitter. Criteria: Invitae Variant Classification Sherloc (09022015). Collection method: clinical testing. Allele origin: germline.
Comment: This sequence change creates a premature translational stop signal (p.Gln824*) in the ALMS1 gene. It is expected to result in an absent or disrupted protein product. Loss-of-function variants in ALMS1 are known to be pathogenic (PMID: 17594715). This variant is present in population databases (rs201853697, gnomAD 0.002%). This variant has not been reported in the literature in individuals affected with ALMS1-related conditions. ClinVar contains an entry for this variant (Variation ID: 977948). For these reasons, this variant has been classified as Pathogenic.

AURAGEN, Plan France Médecine Génomique
Classification: Pathogenic for Multiple congenital anomalies/dysmorphic syndrome-intellectual disability. Last evaluated: 2021-05-03. Review status: criteria provided, single submitter. Criteria: PFMG2025 (Lancet Reg Health Eur. 2025). Collection method: clinical testing. Allele origin: germline. Affected: yes.

Laboratory of Genetics in Ophthalmology, Institut Imagine
Classification: Pathogenic for Alstrom syndrome. Review status: no assertion criteria provided. Collection method: research. Allele origin: inherited. Affected: yes. Observed: 1 variant allele. Not counted in ClinVar's aggregate classification.

Literature cited by the submitters: PubMed 17594715 (cited by Labcorp Genetics (formerly Invitae), Labcorp).